The following is an entry in ClinVar:

ClinVar aggregate classification (germline): Benign. Review status: criteria provided, multiple submitters, no conflicts (2 of 4 stars). 2 submissions from 2 submitters: Benign (2). Last evaluated 2024-12-16.

Allele frequency attached by ClinVar (database versions not stated): ESP Exome Variant Server 0.00015; 1000 Genomes Project 30x 0.00390; 1000 Genomes Project 0.00499.
gnomAD v4.1: 2,045 of 1,614,140 alleles (0.13%); highest among the groups gnomAD compares: East Asian, 2.8%; 30 homozygotes.

Submissions (3):

Labcorp Genetics (formerly Invitae), Labcorp
Classification: Benign. Last evaluated: 2024-12-16. Review status: criteria provided, single submitter. Criteria: Invitae Variant Classification Sherloc (09022015). Collection method: clinical testing. Allele origin: germline.

CeGaT Center for Human Genetics Tuebingen
Classification: Benign. Last evaluated: 2024-01-01. Review status: criteria provided, single submitter. Criteria: CeGaT Center For Human Genetics Tuebingen Variant Classification Criteria Version 2. Collection method: clinical testing. Allele origin: germline. Affected: yes. Observed: 1 variant allele.
Comment: FAT2: BP4, BS1, BS2

Dr. Peter K. Rogan Lab, Western University
No classification provided (evidence only). Condition: Familial cancer of breast. Review status: no classification provided. Collection method: in vitro. Allele origin: not applicable. Functional consequence: retained intron. Not counted in ClinVar's aggregate classification.

NM_001447.3(FAT2):c.4960G>C (p.Asp1654His)

Genes: FAT2 (FAT atypical cadherin 2; minus strand), SLC36A1 (solute carrier family 36 member 1; plus strand). Cytogenetic location: 5q33.1.
Variant type: single nucleotide variant.
Coding change: c.4960G>C on transcript NM_001447.3 (MANE Select); coding-DNA position 4960, G replaced by C.
Protein change: p.Asp1654His; replaces aspartic acid 1654 with histidine.
Molecular consequence: missense variant.
Genome position (GRCh38, 1-based): chr5:151,546,167, C>G on the plus strand (G>C on the coding strand, the complement: FAT2 is on the minus strand). VCF-style: chr5-151546167-C-G. GRCh37 (hg19) VCF-style: chr5-150925728-C-G.
Other names: short protein forms D1654H.
Identifiers: ClinVar variation 2064619 (VCV002064619.27), dbSNP rs150831986, ClinGen allele CA3521403.